The following is an entry in ClinVar:

NM_001282531.3(ADNP):c.3280G>A (p.Gly1094Arg)

Gene: ADNP (activity dependent neuroprotector homeobox; minus strand). Cytogenetic location: 20q13.13.
Variant type: single nucleotide variant.
Coding change: c.3280G>A on transcript NM_001282531.3 (MANE Select); coding-DNA position 3280, G replaced by A.
Protein change: p.Gly1094Arg; replaces glycine 1094 with arginine.
Molecular consequence: missense variant.
Genome position (GRCh38, 1-based): chr20:50,891,434, C>T on the plus strand (G>A on the coding strand, the complement: ADNP is on the minus strand). VCF-style: chr20-50891434-C-T. GRCh37 (hg19) VCF-style: chr20-49507971-C-T.
Other names: c.3280G>A, p.Gly1094Arg (NM_001282532.2, NM_001347511.2, NM_015339.5 and 1 more transcripts); short protein forms G1094R.
Identifiers: ClinVar variation 2581349 (VCV002581349.4), dbSNP rs1422234490, ClinGen allele CA408966679.
Genomic context (GRCh38, chr20:50,891,434, plus strand): 5'-AGCATGTCACCAACGCCAGGGAACCTGGCACTTAGGCCTGTTGGCTGCTCAGTTTAACTC[C>T]GGCTAAGCTGCCATGCATGGGCTCAGCTACTCCATCAGTCATGTTGTCAAACTGTTCCCC-3'
Protein context (NP_001269460.1, residues 1084-1102): VAEPMHGSLA[Gly1094Arg]VKLSSQQA

ClinVar aggregate classification (germline): Uncertain significance. Review status: criteria provided, multiple submitters, no conflicts (2 of 4 stars). 2 submissions from 2 submitters: Uncertain significance (2). Last evaluated 2023-08-24.

Allele frequency attached by ClinVar (database versions not stated): gnomAD exomes below 0.00001; TOPMed below 0.00001; gnomAD 0.00001.
gnomAD v4.1: 7 of 1,610,510 alleles (0.00043%); highest among the groups gnomAD compares: Admixed American, 0.0033%; no homozygotes.

Submissions (2):

Women's Health and Genetics/Laboratory Corporation of America, LabCorp
Classification: Uncertain significance. Last evaluated: 2023-08-24. Review status: criteria provided, single submitter. Criteria: LabCorp Variant Classification Summary - May 2015. Collection method: clinical testing. Allele origin: germline.
Comment: Variant summary: ADNP c.3280G>A (p.Gly1094Arg) results in a non-conservative amino acid change in the encoded protein sequence. Four of five in-silico tools predict a damaging effect of the variant on protein function. The variant allele was found at a frequency of 8.1e-06 in 247494 control chromosomes. The available data on variant occurrences in the general population are insufficient to allow any conclusion about variant significance. To our knowledge, no occurrence of c.3280G>A in individuals affected with ADNP-Related Multiple Congenital Anomalies-Intellectual Disability-Autism Spectrum Disorder and no experimental evidence demonstrating its impact on protein function have been reported. No submitters have cited clinical-significance assessments for this variant to ClinVar after 2014. Based on the evidence outlined above, the variant was classified as uncertain significance.

Labcorp Genetics (formerly Invitae), Labcorp
Classification: Uncertain significance. Last evaluated: 2023-01-21. Review status: criteria provided, single submitter. Criteria: Invitae Variant Classification Sherloc (09022015). Collection method: clinical testing. Allele origin: germline.
Comment: In summary, the available evidence is currently insufficient to determine the role of this variant in disease. Therefore, it has been classified as a Variant of Uncertain Significance. An algorithm developed to predict the effect of missense changes on protein structure and function (PolyPhen-2) suggests that this variant is likely to be disruptive. This variant has not been reported in the literature in individuals affected with ADNP-related conditions. The frequency data for this variant in the population databases is considered unreliable, as metrics indicate poor data quality at this position in the gnomAD database. This sequence change replaces glycine, which is neutral and non-polar, with arginine, which is basic and polar, at codon 1094 of the ADNP protein (p.Gly1094Arg).